The following is an entry in ClinVar:

NM_031935.3(HMCN1):c.2968C>G (p.Leu990Val)

Gene: HMCN1 (hemicentin 1; plus strand). Cytogenetic location: 1q31.1.
Variant type: single nucleotide variant.
Coding change: c.2968C>G on transcript NM_031935.3 (MANE Select); coding-DNA position 2968, C replaced by G.
Protein change: p.Leu990Val; replaces leucine 990 with valine.
Molecular consequence: missense variant.
Genome position (GRCh38, 1-based): chr1:185,987,464, C>G. VCF-style: chr1-185987464-C-G. GRCh37 (hg19) VCF-style: chr1-185956596-C-G.
Other names: short protein forms L990V.
Identifiers: ClinVar variation 4761631 (VCV004761631.1).
Genomic context (GRCh38, chr1:185,987,464, plus strand): 5'-AGATTCCAAATCCTACTTACCTTTTCAGTTCTGCCAACCATTCAGCATGGGCAGCAGATA[C>G]TCAGTACAATTGAAGGCATTCCAGTAACTTTACCATGCAAAGCAAGTGGAAATCCCAAAC-3'
Protein context (NP_114141.2, residues 980-1000): LPTIQHGQQI[Leu990Val]STIEGIPVTL

ClinVar aggregate classification (germline): Uncertain significance (1 of 4 stars; one submission).

Submission:

Labcorp Genetics (formerly Invitae), Labcorp
Classification: Uncertain significance. Last evaluated: 2025-11-18. Review status: criteria provided, single submitter. Criteria: Invitae Variant Classification Sherloc (09022015). Collection method: clinical testing. Allele origin: germline.
Comment: This sequence change replaces leucine, which is neutral and non-polar, with valine, which is neutral and non-polar, at codon 990 of the HMCN1 protein (p.Leu990Val). This variant is not present in population databases (gnomAD no frequency). This variant has not been reported in the literature in individuals affected with HMCN1-related conditions. An algorithm developed to predict the effect of missense changes on protein structure and function (PolyPhen-2) suggests that this variant is likely to be disruptive. In summary, the available evidence is currently insufficient to determine the role of this variant in disease. Therefore, it has been classified as a Variant of Uncertain Significance.